The following is an entry in ClinVar:

ClinVar aggregate classification (germline): Conflicting classifications of pathogenicity. Review status: criteria provided, conflicting classifications (1 of 4 stars). 3 submissions from 3 submitters: Uncertain significance (2); Benign (1). Last evaluated 2022-12-06.

Conditions:
Atrioventricular septal defect, susceptibility to, 2. Identifiers: MedGen C1853508, MONDO:0011650, OMIM 606217.
Inborn genetic diseases. Identifiers: MedGen C0950123, MeSH D030342.

Allele frequency attached by ClinVar (database versions not stated): gnomAD exomes 0.00011 and 0.00026; ExAC 0.00018; gnomAD 0.00020 and 0.00021; TOPMed 0.00020; ESP Exome Variant Server 0.00031.
gnomAD v4.1: 207 of 1,614,086 alleles (0.013%); highest among the groups gnomAD compares: African/African-American, 0.021%; no homozygotes.

Submissions (3):

Labcorp Genetics (formerly Invitae), Labcorp
Classification: Benign for Atrioventricular septal defect, susceptibility to, 2. Last evaluated: 2022-12-06. Review status: criteria provided, single submitter. Criteria: Invitae Variant Classification Sherloc (09022015). Collection method: clinical testing. Allele origin: germline.

Ambry Genetics
Classification: Uncertain significance for Inborn genetic diseases. Last evaluated: 2022-09-27. Review status: criteria provided, single submitter. Criteria: Ambry Variant Classification Scheme 2023. Collection method: clinical testing. Allele origin: germline.

GeneDx
Classification: Uncertain significance. Last evaluated: 2019-05-10. Review status: criteria provided, single submitter. Criteria: GeneDx Variant Classification Process June 2021. Collection method: clinical testing. Allele origin: germline. Affected: yes.
Comment: In silico analysis, which includes protein predictors and evolutionary conservation, supports that this variant does not alter protein structure/function; Has not been previously published as pathogenic or benign to our knowledge

NM_001077415.3(CRELD1):c.659G>A (p.Arg220Gln)

Gene: CRELD1 (CRELD disulfide isomerase 1; plus strand). Cytogenetic location: 3p25.3.
Variant type: single nucleotide variant.
Coding change: c.659G>A on transcript NM_001077415.3 (MANE Select); coding-DNA position 659, G replaced by A.
Protein change: p.Arg220Gln; replaces arginine 220 with glutamine.
Molecular consequence: missense variant. On other transcripts: non-coding transcript variant (3).
Genome position (GRCh38, 1-based): chr3:9,941,132, G>A. VCF-style: chr3-9941132-G-A. GRCh37 (hg19) VCF-style: chr3-9982816-G-A.
Other names: c.659G>A, p.Arg220Gln (NM_001031717.4, NM_001374316.1, NM_001374317.1 and 4 more transcripts); short protein forms R220Q.
Identifiers: ClinVar variation 1165985 (VCV001165985.11), dbSNP rs138925944, ClinGen allele CA2247761.